The following is an entry in ClinVar:

ClinVar aggregate classification (germline): Uncertain significance (1 of 4 stars; one submission).

Conditions:
Charcot-Marie-Tooth disease axonal type 2O. Also called: CHARCOT-MARIE-TOOTH NEUROPATHY, AXONAL, TYPE 2O; CHARCOT-MARIE-TOOTH DISEASE, AXONAL, AUTOSOMAL DOMINANT, TYPE 2O; Charcot-Marie-Tooth Neuropathy Type 2O; Charcot-Marie-Tooth disease, axonal, type 20. Identifiers: Orphanet 284232, MedGen C3280220, MONDO:0013644, OMIM 614228.

Submission:

Labcorp Genetics (formerly Invitae), Labcorp
Classification: Uncertain significance for Charcot-Marie-Tooth disease axonal type 2O. Last evaluated: 2024-05-02. Review status: criteria provided, single submitter. Criteria: Invitae Variant Classification Sherloc (09022015). Collection method: clinical testing. Allele origin: germline.
Comment: This variant, c.780_788del, results in the deletion of 3 amino acid(s) of the DYNC1H1 protein (p.Lys261_Asp263del), but otherwise preserves the integrity of the reading frame. This variant is not present in population databases (gnomAD no frequency). This variant has not been reported in the literature in individuals affected with DYNC1H1-related conditions. Experimental studies and prediction algorithms are not available or were not evaluated, and the functional significance of this variant is currently unknown. In summary, the available evidence is currently insufficient to determine the role of this variant in disease. Therefore, it has been classified as a Variant of Uncertain Significance.

NM_001376.5(DYNC1H1):c.780_788del (p.Lys261_Asp263del)

Gene: DYNC1H1 (dynein cytoplasmic 1 heavy chain 1; plus strand). Cytogenetic location: 14q32.31.
Variant type: Deletion.
Coding change: c.780_788del on transcript NM_001376.5 (MANE Select); coding-DNA positions 780 to 788, 9 bases deleted (CAAACTGGA; older notation c.780_788delCAAACTGGA).
Protein change: p.Lys261_Asp263del.
Molecular consequence: inframe deletion.
Genome position (GRCh38, 1-based): chr14:101,980,369-101,980,377, CAAACTGGA deleted. VCF-style (leftmost placement, unchanged base first): chr14-101980368-CCAAACTGGA-C. GRCh37 (hg19) VCF-style: chr14-102446705-CCAAACTGGA-C.
Identifiers: ClinVar variation 2769980 (VCV002769980.3), dbSNP rs2503680452, ClinGen allele CA2697554235.